The following is an entry in ClinVar:

ClinVar aggregate classification (germline): Uncertain significance. Review status: criteria provided, multiple submitters, no conflicts (2 of 4 stars). 2 submissions from 2 submitters: Uncertain significance (2). Last evaluated 2023-08-30.

Conditions:
Inborn genetic diseases. Identifiers: MedGen C0950123, MeSH D030342.
Developmental and epileptic encephalopathy. Identifiers: MedGen C5779964, MONDO:0100620.

Allele frequency attached by ClinVar (database versions not stated): gnomAD exomes 0.00001; TOPMed 0.00001; gnomAD 0.00002 and 0.00003; ExAC 0.00003; 1000 Genomes Project 0.00020; 1000 Genomes Project 30x 0.00031.

Submissions (2):

Labcorp Genetics (formerly Invitae), Labcorp
Classification: Uncertain significance for Early-infantile DEE. Last evaluated: 2023-08-30. Review status: criteria provided, single submitter. Criteria: Invitae Variant Classification Sherloc (09022015). Collection method: clinical testing. Allele origin: germline.
Comment: In summary, the available evidence is currently insufficient to determine the role of this variant in disease. Therefore, it has been classified as a Variant of Uncertain Significance. Advanced modeling of protein sequence and biophysical properties (such as structural, functional, and spatial information, amino acid conservation, physicochemical variation, residue mobility, and thermodynamic stability) performed at Invitae indicates that this missense variant is expected to disrupt SLC25A22 protein function. ClinVar contains an entry for this variant (Variation ID: 1385239). This variant has not been reported in the literature in individuals affected with SLC25A22-related conditions. This variant is present in population databases (rs574361397, gnomAD 0.004%). This sequence change replaces arginine, which is basic and polar, with tryptophan, which is neutral and slightly polar, at codon 179 of the SLC25A22 protein (p.Arg179Trp).

Ambry Genetics
Classification: Uncertain significance for Inborn genetic diseases. Last evaluated: 2022-12-21. Review status: criteria provided, single submitter. Criteria: Ambry Variant Classification Scheme 2023. Collection method: clinical testing. Allele origin: germline.

NM_001191061.2(SLC25A22):c.535C>T (p.Arg179Trp)

Gene: SLC25A22 (solute carrier family 25 member 22; minus strand). Cytogenetic location: 11p15.5.
Variant type: single nucleotide variant.
Coding change: c.535C>T on transcript NM_001191061.2 (MANE Select); coding-DNA position 535, C replaced by T.
Protein change: p.Arg179Trp; replaces arginine 179 with tryptophan.
Molecular consequence: missense variant.
Genome position (GRCh38, 1-based): chr11:792,605, G>A on the plus strand (C>T on the coding strand, the complement: SLC25A22 is on the minus strand). VCF-style: chr11-792605-G-A. GRCh37 (hg19) VCF-style: chr11-792605-G-A.
Other names: c.535C>T, p.Arg179Trp (NM_001191060.2, NM_024698.6); c.535C>T (NM_024698.5); short protein forms R179W.
Identifiers: ClinVar variation 1385239 (VCV001385239.9), dbSNP rs574361397, ClinGen allele CA5789158.